The following is an entry in ClinVar:

ClinVar aggregate classification (germline): Uncertain significance (1 of 4 stars; one submission).

Conditions:
Hereditary cancer-predisposing syndrome. Also called: Tumor predisposition; Hereditary Cancer Syndrome; Hereditary neoplastic syndrome; Neoplastic Syndromes, Hereditary. Identifiers: Orphanet 140162, MedGen C0027672, MeSH D009386, MONDO:0015356.

Submission:

Ambry Genetics
Classification: Uncertain significance for Hereditary cancer-predisposing syndrome. Last evaluated: 2025-11-25. Review status: criteria provided, single submitter. Criteria: Ambry Variant Classification Scheme 2023. Collection method: clinical testing. Allele origin: germline.
Comment: The p.V87A variant (also known as c.260T>C), located in coding exon 1 of the VHL gene, results from a T to C substitution at nucleotide position 260. The valine at codon 87 is replaced by alanine, an amino acid with similar properties. This variant was reported in individual(s) with features consistent with von Hippel-Lindau syndrome (Gambale A et al. Clin Genet, 2019 Oct;96:359-365; Gallou C et al. Hum Mutat, 2004 Sep;24:215-24; Ambry internal data). This amino acid position is not well conserved in available vertebrate species. In addition, this alteration is predicted to be deleterious by in silico analysis. Based on the available evidence, the clinical significance of this variant remains unclear.

Literature cited by the submitters: PubMed 15300849; PubMed 31278746.

NM_000551.4(VHL):c.260T>C (p.Val87Ala)

Gene: VHL (von Hippel-Lindau tumor suppressor; plus strand). Cytogenetic location: 3p25.3.
Variant type: single nucleotide variant.
Coding change: c.260T>C on transcript NM_000551.4 (MANE Select); coding-DNA position 260, T replaced by C.
Protein change: p.Val87Ala; replaces valine 87 with alanine.
Molecular consequence: missense variant. On other transcripts: non-coding transcript variant (1).
Genome position (GRCh38, 1-based): chr3:10,142,107, T>C. VCF-style: chr3-10142107-T-C. GRCh37 (hg19) VCF-style: chr3-10183791-T-C.
Other names: c.260T>C, p.Val87Ala (NM_001354723.2, NM_198156.3); short protein forms V87A.
Identifiers: ClinVar variation 4558188 (VCV004558188.1).
Genomic context (GRCh38, chr3:10,142,107, plus strand): 5'-ACTCGCGCGAGCCCTCCCAGGTCATCTTCTGCAATCGCAGTCCGCGCGTCGTGCTGCCCG[T>C]ATGGCTCAACTTCGACGGCGAGCCGCAGCCCTACCCAACGCTGCCGCCTGGCACGGGCCG-3'
Protein context (NP_000542.1, residues 77-97): CNRSPRVVLP[Val87Ala]WLNFDGEPQP